The following is an entry in ClinVar:

ClinVar aggregate classification (germline): Benign/Likely benign. Review status: criteria provided, multiple submitters, no conflicts (2 of 4 stars). 4 submissions from 4 submitters: Benign (1); Likely benign (2). 1 of the submissions does not count toward it. Last evaluated 2026-01-20.

Conditions:
RP1-related disorder. Also called: RP1-related condition.

Allele frequency attached by ClinVar (database versions not stated): ExAC 0.00064; 1000 Genomes Project 0.00160; 1000 Genomes Project 30x 0.00203; ESP Exome Variant Server 0.00247; gnomAD 0.00255 and 0.00283; TOPMed 0.00274.
gnomAD v4.1: 788 of 1,611,730 alleles (0.049%); highest among the groups gnomAD compares: African/African-American, 0.94%; 4 homozygotes.

Submissions (4):

Labcorp Genetics (formerly Invitae), Labcorp
Classification: Likely benign. Last evaluated: 2026-01-20. Review status: criteria provided, single submitter. Criteria: Invitae Variant Classification Sherloc (09022015). Collection method: clinical testing. Allele origin: germline.

Blueprint Genetics
Classification: Likely benign. Last evaluated: 2024-10-02. Review status: criteria provided, single submitter. Criteria: ACMG Guidelines, 2015. Collection method: clinical testing. Allele origin: germline.

Eurofins Ntd Llc (ga)
Classification: Benign. Last evaluated: 2016-04-14. Review status: criteria provided, single submitter. Criteria: EGL Classification Definitions 2015. Collection method: clinical testing. Allele origin: germline. Observed: 1 variant allele, 1 heterozygote.

PreventionGenetics, part of Exact Sciences
Classification: Benign for RP1-related condition. Last evaluated: 2019-07-26. Review status: no assertion criteria provided. Collection method: clinical testing. Allele origin: germline. Not counted in ClinVar's aggregate classification.
Comment: This variant is classified as benign based on ACMG/AMP sequence variant interpretation guidelines (Richards et al. 2015 PMID: 25741868, with internal and published modifications).

NM_006269.2(RP1):c.382C>A (p.Leu128Ile)

Gene: RP1 (RP1 axonemal microtubule associated; plus strand). Cytogenetic location: 8q12.1.
Variant type: single nucleotide variant.
Coding change: c.382C>A on transcript NM_006269.2 (MANE Select); coding-DNA position 382, C replaced by A.
Protein change: p.Leu128Ile; replaces leucine 128 with isoleucine.
Molecular consequence: missense variant.
Genome position (GRCh38, 1-based): chr8:54,621,348, C>A. VCF-style: chr8-54621348-C-A. GRCh37 (hg19) VCF-style: chr8-55533908-C-A.
Other names: short protein forms L128I.
Identifiers: ClinVar variation 287294 (VCV000287294.19), dbSNP rs147116231, ClinGen allele CA4751135.